The following is an entry in ClinVar:

ClinVar aggregate classification (germline): Uncertain significance (1 of 4 stars; one submission).

Conditions:
Atrial standstill 1 (ATRST1). Also called: ATRIAL CARDIOMYOPATHY WITH HEART BLOCK; CARDIOMYOPATHY, FAMILIAL, WITH CONDUCTION DISTURBANCE; Atrial standstill, digenic (GJA5/SCN5A). Identifiers: Orphanet 1344, MedGen C4551959, MONDO:0007171, OMIM 108770.
Atrial fibrillation, familial, 11 (ATFB11). Identifiers: MedGen C3279693, MONDO:0013544, OMIM 614049.

Allele frequency attached by ClinVar (database versions not stated): gnomAD exomes below 0.00001; ExAC 0.00001; TOPMed 0.00002.

Submission:

Labcorp Genetics (formerly Invitae), Labcorp
Classification: Uncertain significance for Atrial fibrillation, familial, 11; Atrial standstill 1. Last evaluated: 2025-07-28. Review status: criteria provided, single submitter. Criteria: Invitae Variant Classification Sherloc (09022015). Collection method: clinical testing. Allele origin: germline.
Comment: This sequence change replaces glutamic acid, which is acidic and polar, with alanine, which is neutral and non-polar, at codon 272 of the GJA5 protein (p.Glu272Ala). This variant is present in population databases (rs782608542, gnomAD 0.01%). This variant has not been reported in the literature in individuals affected with GJA5-related conditions. ClinVar contains an entry for this variant (Variation ID: 2167065). Invitae Evidence Modeling of protein sequence and biophysical properties (such as structural, functional, and spatial information, amino acid conservation, physicochemical variation, residue mobility, and thermodynamic stability) indicates that this missense variant is not expected to disrupt GJA5 protein function with a negative predictive value of 80%. In summary, the available evidence is currently insufficient to determine the role of this variant in disease. Therefore, it has been classified as a Variant of Uncertain Significance.

NM_181703.4(GJA5):c.815A>C (p.Glu272Ala)

Genes: GJA5 (gap junction protein alpha 5; minus strand), LOC122128420 (Sharpr-MPRA regulatory region 3144; plus strand). Cytogenetic location: 1q21.2.
Variant type: single nucleotide variant.
Coding change: c.815A>C on transcript NM_181703.4 (MANE Select); coding-DNA position 815, A replaced by C.
Protein change: p.Glu272Ala; replaces glutamic acid 272 with alanine.
Molecular consequence: missense variant.
Genome position (GRCh38, 1-based): chr1:147,758,424, T>G on the plus strand (A>C on the coding strand, the complement: GJA5 is on the minus strand). VCF-style: chr1-147758424-T-G. GRCh37 (hg19) VCF-style: chr1-147230532-T-G.
Other names: c.815A>C, p.Glu272Ala (NM_005266.7); short protein forms E272A.
Identifiers: ClinVar variation 2167065 (VCV002167065.4), dbSNP rs782608542, ClinGen allele CA1065698.